The following is an entry in ClinVar:

NM_030957.4(ADAMTS10):c.*449G>C

Gene: ADAMTS10 (ADAM metallopeptidase with thrombospondin type 1 motif 10; minus strand). Cytogenetic location: 19p13.2.
Variant type: single nucleotide variant.
Coding change: c.*449G>C on transcript NM_030957.4 (MANE Select); 449 bases downstream of the stop codon, G replaced by C.
Molecular consequence: 3 prime UTR variant.
Genome position (GRCh38, 1-based): chr19:8,580,444, C>G on the plus strand (G>C on the coding strand, the complement: ADAMTS10 is on the minus strand). VCF-style: chr19-8580444-C-G. GRCh37 (hg19) VCF-style: chr19-8645328-C-G.
Other names: c.*449G>C (NM_001282352.2).
Identifiers: ClinVar variation 330568 (VCV000330568.6), dbSNP rs555471852, ClinGen allele CA10649290.

ClinVar aggregate classification (germline): Benign. Review status: criteria provided, multiple submitters, no conflicts (2 of 4 stars). 2 submissions from 2 submitters: Benign (2). Last evaluated 2018-01-12.

Conditions:
Weill-Marchesani syndrome. Also called: WM Syndrome; Mesodermal dysmorphodystrophy congenital. Identifiers: Orphanet 3449, MedGen C0265313, MONDO:0018096.

Allele frequency attached by ClinVar (database versions not stated): gnomAD exomes 0.01135; gnomAD 0.01330; 1000 Genomes Project 30x 0.01405; 1000 Genomes Project 0.01418; TOPMed 0.01561.

Submissions (2):

Illumina Laboratory Services, Illumina
Classification: Benign for Weill-Marchesani syndrome. Last evaluated: 2018-01-12. Review status: criteria provided, single submitter. Criteria: ICSL Variant Classification Criteria 13 December 2019. Collection method: clinical testing. Allele origin: germline.
Comment: This variant was observed in the ICSL laboratory as part of a predisposition screen in an ostensibly healthy population. It had not been previously curated by ICSL or reported in the Human Gene Mutation Database (HGMD: prior to June 1st, 2018), and was therefore a candidate for classification through an automated scoring system. Utilizing variant allele frequency, disease prevalence and penetrance estimates, and inheritance mode, an automated score was calculated to assess if this variant is too frequent to cause the disease. Based on the score and internal cut-off values, a variant classified as benign is not then subjected to further curation. The score for this variant resulted in a classification of benign for this disease.

Breakthrough Genomics
Classification: Benign. Review status: criteria provided, single submitter. Criteria: ACMG Guidelines, 2015. Collection method: not provided. Allele origin: germline. Inheritance: Autosomal recessive inheritance. Affected: yes.